The following is an entry in ClinVar:

NM_032575.3(GLIS2):c.588C>T (p.Pro196=)

Gene: GLIS2 (GLIS family zinc finger 2; plus strand). Cytogenetic location: 16p13.3.
Variant type: single nucleotide variant.
Coding change: c.588C>T on transcript NM_032575.3 (MANE Select); coding-DNA position 588, C replaced by T.
Protein change: p.Pro196=; no amino-acid change (proline 196 retained).
Molecular consequence: synonymous variant.
Genome position (GRCh38, 1-based): chr16:4,335,125, C>T. VCF-style: chr16-4335125-C-T. GRCh37 (hg19) VCF-style: chr16-4385126-C-T.
Other names: c.588C>T, p.Pro196= (NM_001318918.2).
Identifiers: ClinVar variation 704928 (VCV000704928.10), dbSNP rs766508781, ClinGen allele CA7873043.

ClinVar aggregate classification (germline): Likely benign. Review status: criteria provided, single submitter (1 of 4 stars). 2 submissions from 2 submitters: Likely benign (1). 1 of the submissions does not count toward it. Last evaluated 2025-12-01.

Conditions:
Nephronophthisis. Also called: Juvenile Nephronophthisis. Identifiers: Orphanet 655, MedGen C0687120, MONDO:0019005, HP:0000090.
GLIS2-related disorder. Also called: GLIS2-related condition.

Allele frequency attached by ClinVar (database versions not stated): gnomAD 0.00001; ExAC 0.00002; gnomAD exomes 0.00003.
gnomAD v4.1: 21 of 1,613,258 alleles (0.0013%); highest among the groups gnomAD compares: Non-Finnish European, 0.0017%; no homozygotes.

Submissions (2):

Labcorp Genetics (formerly Invitae), Labcorp
Classification: Likely benign for Nephronophthisis. Last evaluated: 2025-12-01. Review status: criteria provided, single submitter. Criteria: Invitae Variant Classification Sherloc (09022015). Collection method: clinical testing. Allele origin: germline.

PreventionGenetics, part of Exact Sciences
Classification: Likely benign for GLIS2-related condition. Last evaluated: 2019-05-07. Review status: no assertion criteria provided. Collection method: clinical testing. Allele origin: germline. Not counted in ClinVar's aggregate classification.
Comment: This variant is classified as likely benign based on ACMG/AMP sequence variant interpretation guidelines (Richards et al. 2015 PMID: 25741868, with internal and published modifications).